The following is an entry in ClinVar:

ClinVar aggregate classification (germline): Likely pathogenic (1 of 4 stars; one submission).

Conditions:
Polyglandular autoimmune syndrome, type 1 (APS1). Also called: HYPOADRENOCORTICISM WITH HYPOPARATHYROIDISM AND SUPERFICIAL MONILIASIS; Whitaker syndrome; AUTOIMMUNE POLYENDOCRINE SYNDROME, TYPE I, WITH OR WITHOUT REVERSIBLE METAPHYSEAL DYSPLASIA; Autoimmune polyendocrine syndrome type 1; APS I; Autoimmune polyendocrinopathy syndrome, type I. Identifiers: Orphanet 3453, MedGen C0085859, MONDO:0009411, OMIM 240300.

Submission:

Myriad Genetics, Inc.
Classification: Likely pathogenic for Polyglandular autoimmune syndrome, type 1. Last evaluated: 2022-02-05. Review status: criteria provided, single submitter. Criteria: Myriad Women's Health Autosomal Recessive and X-Linked Classification Criteria (2021). Collection method: clinical testing. Allele origin: unknown.
Comment: NM_000383.3(AIRE):c.496_497insA(P166Hfs*51) is expected to be pathogenic in the context of autoimmune polyglandular syndrome type 1. This variant is predicted to lead to an abnormal or absent protein product due to the creation of a premature termination codon in AIRE, a gene where loss-of-function variants are known to be pathogenic. Please note: this variant was assessed in the context of healthy population screening.

NM_000383.4(AIRE):c.496_497insA (p.Pro166fs)

Gene: AIRE (autoimmune regulator; plus strand). Cytogenetic location: 21q22.3.
Variant type: Insertion.
Coding change: c.496_497insA on transcript NM_000383.4 (MANE Select); coding-DNA positions 496 to 497, A inserted.
Protein change: p.Pro166fs; shifts the reading frame from proline 166.
Molecular consequence: frameshift variant.
Genome position: GRCh38 VCF-style: chr21-44287549-C-CA. GRCh37 (hg19) VCF-style: chr21-45707432-C-CA.
Other names: short protein forms P166fs.
Identifiers: ClinVar variation 1724323 (VCV001724323.2), dbSNP rs2517877732, ClinGen allele CA2580098845.